The following is an entry in ClinVar:

NM_005104.4(BRD2):c.1710T>C (p.Asp570=)

Gene: BRD2 (bromodomain containing 2; plus strand). Cytogenetic location: 6p21.32.
Variant type: single nucleotide variant.
Coding change: c.1710T>C on transcript NM_005104.4 (MANE Select); coding-DNA position 1710, T replaced by C.
Protein change: p.Asp570=; no amino-acid change (aspartic acid 570 retained).
Molecular consequence: synonymous variant.
Genome position (GRCh38, 1-based): chr6:32,978,257, T>C. VCF-style: chr6-32978257-T-C. GRCh37 (hg19) VCF-style: chr6-32946034-T-C.
Other names: c.1710T>C, p.Asp570= (NM_001113182.3, NM_001199455.1); c.1569T>C, p.Asp523= (NM_001199456.2); c.1350T>C, p.Asp450= (NM_001291986.2).
Identifiers: ClinVar variation 3060697 (VCV003060697.2), dbSNP rs1063379, ClinGen allele CA3748659.

ClinVar aggregate classification (germline): Benign (0 of 4 stars; one submission).

Conditions:
BRD2-related disorder. Also called: BRD2-related condition.

Allele frequency attached by ClinVar (database versions not stated): gnomAD exomes 0.02204; ExAC 0.03396; gnomAD 0.04232; ESP Exome Variant Server 0.04338; TOPMed 0.04729; 1000 Genomes Project 30x 0.05949; 1000 Genomes Project 0.05950.
gnomAD v4.1: 38,924 of 1,612,970 alleles (2.4%); highest among the groups gnomAD compares: African/African-American, 9%; 868 homozygotes.

Submission:

PreventionGenetics, part of Exact Sciences
Classification: Benign for BRD2-related condition. Last evaluated: 2019-04-11. Review status: no assertion criteria provided. Collection method: clinical testing. Allele origin: germline.
Comment: This variant is classified as benign based on ACMG/AMP sequence variant interpretation guidelines (Richards et al. 2015 PMID: 25741868, with internal and published modifications).